The following is an entry in ClinVar:

ClinVar aggregate classification (germline): Likely benign. Review status: criteria provided, multiple submitters, no conflicts (2 of 4 stars). 2 submissions from 2 submitters: Likely benign (2). Last evaluated 2024-10-09.

Allele frequency attached by ClinVar (database versions not stated): TOPMed 0.00001; gnomAD 0.00003 and 0.00004; gnomAD exomes 0.00004 and 0.00011; ExAC 0.00019.
gnomAD v4.1: 66 of 1,613,974 alleles (0.0041%); highest among the groups gnomAD compares: Non-Finnish European, 0.0038%; no homozygotes.

Submissions (2):

Blueprint Genetics
Classification: Likely benign. Last evaluated: 2024-10-09. Review status: criteria provided, single submitter. Criteria: ACMG Guidelines, 2015. Collection method: clinical testing. Allele origin: germline.

Laboratory for Molecular Medicine, Mass General Brigham Personalized Medicine
Classification: Likely benign. Last evaluated: 2017-08-23. Review status: criteria provided, single submitter. Criteria: LMM Criteria. Collection method: clinical testing. Allele origin: germline. Observed: 1 variant allele.
Comment: p.Asp453Asp in exon 11 of KARS: This variant is not expected to have clinical si gnificance because it does not alter an amino acid residue and is not located wi thin the splice consensus sequence. It has been identified in 0.03% (20/64884) o f European chromosomes by the Exome Aggregation Consortium (ExAC; dbSNP rs779241883).

NM_005548.3(KARS1):c.1275T>C (p.Asp425=)

Gene: KARS1 (lysyl-tRNA synthetase 1; minus strand). Cytogenetic location: 16q23.1.
Variant type: single nucleotide variant.
Coding change: c.1275T>C on transcript NM_005548.3 (MANE Select); coding-DNA position 1275, T replaced by C.
Protein change: p.Asp425=; no amino-acid change (aspartic acid 425 retained).
Molecular consequence: synonymous variant.
Genome position (GRCh38, 1-based): chr16:75,631,231, A>G on the plus strand (T>C on the coding strand, the complement: KARS1 is on the minus strand). VCF-style: chr16-75631231-A-G. GRCh37 (hg19) VCF-style: chr16-75665129-A-G.
Other names: c.1359T>C, p.Asp453= (NM_001130089.2); c.807T>C, p.Asp269= (NM_001378148.1).
Identifiers: ClinVar variation 666703 (VCV000666703.5), dbSNP rs779241883, ClinGen allele CA8177322.